The following is an entry in ClinVar:

NM_000135.4(FANCA):c.3076G>A (p.Ala1026Thr)

Gene: FANCA (FA complementation group A; minus strand). Cytogenetic location: 16q24.3.
Variant type: single nucleotide variant.
Coding change: c.3076G>A on transcript NM_000135.4 (MANE Select); coding-DNA position 3076, G replaced by A.
Protein change: p.Ala1026Thr; replaces alanine 1026 with threonine.
Molecular consequence: missense variant.
Genome position (GRCh38, 1-based): chr16:89,749,893, C>T on the plus strand (G>A on the coding strand, the complement: FANCA is on the minus strand). VCF-style: chr16-89749893-C-T. GRCh37 (hg19) VCF-style: chr16-89816301-C-T.
Other names: c.3076G>A, p.Ala1026Thr (NM_001286167.3); short protein forms A1026T.
Identifiers: ClinVar variation 3581476 (VCV003581476.3).

ClinVar aggregate classification (germline): Uncertain significance. Review status: criteria provided, multiple submitters, no conflicts (2 of 4 stars). 2 submissions from 2 submitters: Uncertain significance (2). Last evaluated 2026-03-15.

Conditions:
Inborn genetic diseases. Identifiers: MedGen C0950123, MeSH D030342.
Fanconi anemia complementation group A (FANCA). Also called: FANCA-Related Fanconi Anemia; Fanconi anemia, group A. Identifiers: Orphanet 84, MedGen C3469521, MONDO:0009215, OMIM 227650.

Submissions (2):

Ambry Genetics
Classification: Uncertain significance for Inborn genetic diseases. Last evaluated: 2026-03-15. Review status: criteria provided, single submitter. Criteria: Ambry Variant Classification Scheme 2023. Collection method: clinical testing. Allele origin: germline.
Comment: The p.A1026T variant (also known as c.3076G>A), located in coding exon 32 of the FANCA gene, results from a G to A substitution at nucleotide position 3076. The alanine at codon 1026 is replaced by threonine, an amino acid with similar properties. This amino acid position is conserved. In addition, this alteration is predicted to be tolerated by in silico analysis. Based on the available evidence, the clinical significance of this variant remains unclear.

Fulgent Genetics
Classification: Uncertain significance for Fanconi anemia complementation group A. Last evaluated: 2024-02-22. Review status: criteria provided, single submitter. Criteria: ACMG Guidelines, 2015. Collection method: clinical testing. Allele origin: germline.